The following is an entry in ClinVar:

ClinVar aggregate classification (germline): Uncertain significance (1 of 4 stars; one submission).

Submission:

Labcorp Genetics (formerly Invitae), Labcorp
Classification: Uncertain significance. Last evaluated: 2022-10-17. Review status: criteria provided, single submitter. Criteria: Invitae Variant Classification Sherloc (09022015). Collection method: clinical testing. Allele origin: germline.
Comment: Advanced modeling of protein sequence and biophysical properties (such as structural, functional, and spatial information, amino acid conservation, physicochemical variation, residue mobility, and thermodynamic stability) performed at Invitae indicates that this missense variant is not expected to disrupt POLR3A protein function. This variant has not been reported in the literature in individuals affected with POLR3A-related conditions. This variant is not present in population databases (gnomAD no frequency). This sequence change replaces valine, which is neutral and non-polar, with alanine, which is neutral and non-polar, at codon 573 of the POLR3A protein (p.Val573Ala). In summary, the available evidence is currently insufficient to determine the role of this variant in disease. Therefore, it has been classified as a Variant of Uncertain Significance.

NM_007055.4(POLR3A):c.1718T>C (p.Val573Ala)

Gene: POLR3A (RNA polymerase III subunit A; minus strand). Cytogenetic location: 10q22.3.
Variant type: single nucleotide variant.
Coding change: c.1718T>C on transcript NM_007055.4 (MANE Select); coding-DNA position 1718, T replaced by C.
Protein change: p.Val573Ala; replaces valine 573 with alanine.
Molecular consequence: missense variant.
Genome position (GRCh38, 1-based): chr10:78,009,916, A>G on the plus strand (T>C on the coding strand, the complement: POLR3A is on the minus strand). VCF-style: chr10-78009916-A-G. GRCh37 (hg19) VCF-style: chr10-79769674-A-G.
Other names: short protein forms V573A.
Identifiers: ClinVar variation 2102320 (VCV002102320.4), dbSNP rs2493220229, ClinGen allele CA377341004.
Genomic context (GRCh38, chr10:78,009,916, plus strand): 5'-ACACACACCTTTAGGATTGTAGGCGGTGGGAGGCGAACTTTAATTTTCTCATCCTTGCCA[A>G]CCAGTATTGAAGCAATGATTTGGCAAGCCTTGGCTCGATCAAAGAAAGTGTCCTTGAGAG-3'
Protein context (NP_008986.2, residues 563-583): KACQIIASIL[Val573Ala]GKDEKIKVRL